The following is an entry in ClinVar:

ClinVar aggregate classification (germline): Uncertain significance (1 of 4 stars; one submission).

Conditions:
Tuberous sclerosis 2 (TSC2). Identifiers: Orphanet 805, MedGen C1860707, MONDO:0013199, OMIM 613254.

Submission:

Labcorp Genetics (formerly Invitae), Labcorp
Classification: Uncertain significance for Tuberous sclerosis 2. Last evaluated: 2018-12-20. Review status: criteria provided, single submitter. Criteria: Invitae Variant Classification Sherloc (09022015). Collection method: clinical testing. Allele origin: germline.
Comment: In summary, the available evidence is currently insufficient to determine the role of this variant in disease. Therefore, it has been classified as a Variant of Uncertain Significance. Algorithms developed to predict the effect of missense changes on protein structure and function are either unavailable or do not agree on the potential impact of this missense change (SIFT: "Deleterious"; PolyPhen-2: "Probably Damaging"; Align-GVGD: "Class C0"). This variant has not been reported in the literature in individuals with TSC2-related conditions. This variant is not present in population databases (ExAC no frequency). This sequence change replaces leucine with valine at codon 844 of the TSC2 protein (p.Leu844Val). The leucine residue is highly conserved and there is a small physicochemical difference between leucine and valine.

NM_000548.5(TSC2):c.2530C>G (p.Leu844Val)

Gene: TSC2 (TSC complex subunit 2; plus strand). Cytogenetic location: 16p13.3.
Variant type: single nucleotide variant.
Coding change: c.2530C>G on transcript NM_000548.5 (MANE Select); coding-DNA position 2530, C replaced by G.
Protein change: p.Leu844Val; replaces leucine 844 with valine.
Molecular consequence: missense variant.
Genome position (GRCh38, 1-based): chr16:2,074,374, C>G. VCF-style: chr16-2074374-C-G. GRCh37 (hg19) VCF-style: chr16-2124375-C-G.
Other names: c.2530C>G, p.Leu844Val (NM_001077183.3, NM_001114382.3, NM_001363528.2 and 3 more transcripts); c.2419C>G, p.Leu807Val (NM_001318827.2); c.2383C>G, p.Leu795Val (NM_001318829.2); c.1930C>G, p.Leu644Val (NM_001318831.2); c.2563C>G, p.Leu855Val (NM_001318832.2); short protein forms L807V, L855V, L644V, L795V, L844V.
Identifiers: ClinVar variation 665930 (VCV000665930.8), dbSNP rs1596357053, ClinGen allele CA394277971.